The following is an entry in ClinVar:

NM_032043.3(BRIP1):c.2765T>C (p.Leu922Ser)

Gene: BRIP1 (BRCA1 interacting DNA helicase 1; minus strand). Cytogenetic location: 17q23.2.
Variant type: single nucleotide variant.
Coding change: c.2765T>C on transcript NM_032043.3 (MANE Select); coding-DNA position 2765, T replaced by C.
Protein change: p.Leu922Ser; replaces leucine 922 with serine.
Molecular consequence: missense variant.
Genome position (GRCh38, 1-based): chr17:61,685,976, A>G on the plus strand (T>C on the coding strand, the complement: BRIP1 is on the minus strand). VCF-style: chr17-61685976-A-G. GRCh37 (hg19) VCF-style: chr17-59763337-A-G.
Other names: short protein forms L922S.
Identifiers: ClinVar variation 873415 (VCV000873415.5), dbSNP rs587782410, ClinGen allele CA400481578.
Genomic context (GRCh38, chr17:61,685,976, plus strand): 5'-CATATCTTTGCTTCATCTTCCACAAAATTTTCTGGTGATAGATGACTTGCTGCTTCCAGT[A>G]AATAAGGTGAGGTACTGTACTTTAAAGAGGTCACTTCAAGTGTAGACTCATTGTCCTGTA-3'
Protein context (NP_114432.2, residues 912-932): TSLKYSTSPY[Leu922Ser]LEAASHLSPE

ClinVar aggregate classification (germline): Uncertain significance. Review status: criteria provided, multiple submitters, no conflicts (2 of 4 stars). 3 submissions from 3 submitters: Uncertain significance (2). 1 of the submissions does not count toward it. Last evaluated 2025-07-23.

Conditions:
Familial cancer of breast. Also called: BREAST CANCER, FAMILIAL; Hereditary breast cancer; hereditary breast carcinoma. Identifiers: Orphanet 227535, MedGen C0346153, MONDO:0016419, OMIM 114480. Disease mechanism: loss of function.
Fanconi anemia complementation group J. Also called: BRIP1-Related Fanconi Anemia. Identifiers: Orphanet 84, MedGen C1836860, MONDO:0012187, OMIM 609054.
Hereditary cancer-predisposing syndrome. Also called: Neoplastic Syndromes, Hereditary; Hereditary neoplastic syndrome; Hereditary Cancer Syndrome; Tumor predisposition. Identifiers: Orphanet 140162, MedGen C0027672, MeSH D009386, MONDO:0015356.

Submissions (3):

Ambry Genetics
Classification: Uncertain significance for Hereditary cancer-predisposing syndrome. Last evaluated: 2025-07-23. Review status: criteria provided, single submitter. Criteria: Ambry Variant Classification Scheme 2023. Collection method: clinical testing. Allele origin: germline.
Comment: The p.L922S variant (also known as c.2765T>C), located in coding exon 18 of the BRIP1 gene, results from a T to C substitution at nucleotide position 2765. The leucine at codon 922 is replaced by serine, an amino acid with dissimilar properties. This amino acid position is not well conserved in available vertebrate species. In addition, this alteration is predicted to be tolerated by in silico analysis. Based on the available evidence, the clinical significance of this variant remains unclear.

Labcorp Genetics (formerly Invitae), Labcorp
Classification: Uncertain significance for Familial cancer of breast; Fanconi anemia complementation group J. Last evaluated: 2024-09-21. Review status: criteria provided, single submitter. Criteria: Invitae Variant Classification Sherloc (09022015). Collection method: clinical testing. Allele origin: germline.
Comment: This sequence change replaces leucine, which is neutral and non-polar, with serine, which is neutral and polar, at codon 922 of the BRIP1 protein (p.Leu922Ser). This variant is not present in population databases (gnomAD no frequency). This variant has not been reported in the literature in individuals affected with BRIP1-related conditions. ClinVar contains an entry for this variant (Variation ID: 873415). Invitae Evidence Modeling of protein sequence and biophysical properties (such as structural, functional, and spatial information, amino acid conservation, physicochemical variation, residue mobility, and thermodynamic stability) indicates that this missense variant is not expected to disrupt BRIP1 protein function with a negative predictive value of 80%. In summary, the available evidence is currently insufficient to determine the role of this variant in disease. Therefore, it has been classified as a Variant of Uncertain Significance.

King Laboratory, University of Washington
Classification: Benign. Last evaluated: 2019-09-01. Review status: no assertion criteria provided. Collection method: research. Allele origin: germline. Affected: yes. Not counted in ClinVar's aggregate classification.
Comment: Transcript analysis by cBROCA

Literature cited by the submitters: PubMed 31843900 (cited by King Laboratory, University of Washington).